The following is an entry in ClinVar:

ClinVar aggregate classification (germline): Uncertain significance (1 of 4 stars; one submission).

Allele frequency attached by ClinVar (database versions not stated): gnomAD exomes below 0.00001.
gnomAD v4.1: 3 of 1,613,462 alleles (0.00019%); highest among the groups gnomAD compares: Non-Finnish European, 0.00025%; no homozygotes.

Submission:

Labcorp Genetics (formerly Invitae), Labcorp
Classification: Uncertain significance. Last evaluated: 2021-09-22. Review status: criteria provided, single submitter. Criteria: Invitae Variant Classification Sherloc (09022015). Collection method: clinical testing. Allele origin: germline.
Comment: This sequence change replaces asparagine with tyrosine at codon 418 of the USH2A protein (p.Asn418Tyr). The asparagine residue is highly conserved and there is a large physicochemical difference between asparagine and tyrosine. In summary, the available evidence is currently insufficient to determine the role of this variant in disease. Therefore, it has been classified as a Variant of Uncertain Significance. Algorithms developed to predict the effect of sequence changes on RNA splicing suggest that this variant may create or strengthen a splice site. Algorithms developed to predict the effect of missense changes on protein structure and function (SIFT, PolyPhen-2, Align-GVGD) all suggest that this variant is likely to be disruptive. This variant has not been reported in the literature in individuals affected with USH2A-related conditions. This variant is not present in population databases (ExAC no frequency).

NM_206933.4(USH2A):c.1252A>T (p.Asn418Tyr)

Gene: USH2A (usherin; minus strand). Cytogenetic location: 1q41.
Variant type: single nucleotide variant.
Coding change: c.1252A>T on transcript NM_206933.4 (MANE Select); coding-DNA position 1252, A replaced by T.
Protein change: p.Asn418Tyr; replaces asparagine 418 with tyrosine.
Molecular consequence: missense variant.
Genome position (GRCh38, 1-based): chr1:216,324,244, T>A on the plus strand (A>T on the coding strand, the complement: USH2A is on the minus strand). VCF-style: chr1-216324244-T-A. GRCh37 (hg19) VCF-style: chr1-216497586-T-A.
Other names: c.1252A>T, p.Asn418Tyr (NM_007123.6); short protein forms N418Y.
Identifiers: ClinVar variation 1382673 (VCV001382673.6), dbSNP rs2102654132, ClinGen allele CA344911639.